The following is an entry in ClinVar:

NM_052947.4(ALPK2):c.3981T>G (p.Ser1327Arg)

Genes: ALPK2 (alpha kinase 2; minus strand), LOC126862764 (BRD4-independent group 4 enhancer GRCh37_chr18:56202574-56203773; plus strand). Cytogenetic location: 18q21.31.
Variant type: single nucleotide variant.
Coding change: c.3981T>G on transcript NM_052947.4 (MANE Select); coding-DNA position 3981, T replaced by G.
Protein change: p.Ser1327Arg; replaces serine 1327 with arginine.
Molecular consequence: missense variant.
Genome position (GRCh38, 1-based): chr18:58,536,206, A>C on the plus strand (T>G on the coding strand, the complement: ALPK2 is on the minus strand). VCF-style: chr18-58536206-A-C. GRCh37 (hg19) VCF-style: chr18-56203438-A-C.
Other names: short protein forms S1327R.
Identifiers: ClinVar variation 2564073 (VCV002564073.2), dbSNP rs772644706, ClinGen allele CA402564895.

ClinVar aggregate classification (germline): Uncertain significance (1 of 4 stars; one submission).

Submission:

Ambry Genetics
Classification: Uncertain significance. Last evaluated: 2023-05-12. Review status: criteria provided, single submitter. Criteria: Ambry Variant Classification Scheme 2023. Collection method: clinical testing. Allele origin: germline.
Comment: The p.S1327R variant (also known as c.3981T>G), located in coding exon 4 of the ALPK2 gene, results from a T to G substitution at nucleotide position 3981. The serine at codon 1327 is replaced by arginine, an amino acid with dissimilar properties. This amino acid position is conserved. In addition, this alteration is predicted to be tolerated by in silico analysis. Since supporting evidence is limited at this time, the clinical significance of this alteration remains unclear.